The following is an entry in ClinVar:

ClinVar aggregate classification (germline): Uncertain significance (1 of 4 stars; one submission).

Conditions:
Parathyroid carcinoma (PRTC). Also called: Parathyroid gland carcinoma; CDC73-Related Parathyroid Carcinoma. Identifiers: Orphanet 143, MedGen C0687150, MONDO:0012004, OMIM 608266, HP:0006780.

Submission:

Labcorp Genetics (formerly Invitae), Labcorp
Classification: Uncertain significance for Parathyroid carcinoma. Last evaluated: 2019-02-09. Review status: criteria provided, single submitter. Criteria: Invitae Variant Classification Sherloc (09022015). Collection method: clinical testing. Allele origin: germline.
Comment: Algorithms developed to predict the effect of missense changes on protein structure and function are either unavailable or do not agree on the potential impact of this missense change (SIFT: "Deleterious"; PolyPhen-2: "Benign"; Align-GVGD: "Class C0"). In summary, the available evidence is currently insufficient to determine the role of this variant in disease. Therefore, it has been classified as a Variant of Uncertain Significance. This variant has not been reported in the literature in individuals with CDC73-related conditions. This variant is not present in population databases (ExAC no frequency). This sequence change replaces isoleucine with valine at codon 224 of the CDC73 protein (p.Ile224Val). The isoleucine residue is highly conserved and there is a small physicochemical difference between isoleucine and valine.

NM_024529.5(CDC73):c.670A>G (p.Ile224Val)

Gene: CDC73 (cell division cycle 73; plus strand). Cytogenetic location: 1q31.2.
Variant type: single nucleotide variant.
Coding change: c.670A>G on transcript NM_024529.5 (MANE Select); coding-DNA position 670, A replaced by G.
Protein change: p.Ile224Val; replaces isoleucine 224 with valine.
Molecular consequence: missense variant.
Genome position (GRCh38, 1-based): chr1:193,142,007, A>G. VCF-style: chr1-193142007-A-G. GRCh37 (hg19) VCF-style: chr1-193111137-A-G.
Other names: short protein forms I224V.
Identifiers: ClinVar variation 847219 (VCV000847219.10), dbSNP rs1675914120, ClinGen allele CA343962726.